The following is an entry in ClinVar:

ClinVar aggregate classification (germline): Uncertain significance (1 of 4 stars; one submission).

Conditions:
Inborn genetic diseases. Identifiers: MedGen C0950123, MeSH D030342.

Submission:

Ambry Genetics
Classification: Uncertain significance for Inborn genetic diseases. Last evaluated: 2025-02-09. Review status: criteria provided, single submitter. Criteria: Ambry Variant Classification Scheme 2023. Collection method: clinical testing. Allele origin: germline.
Comment: The p.C418R variant (also known as c.1252T>C), located in coding exon 7 of the FANCM gene, results from a T to C substitution at nucleotide position 1252. The cysteine at codon 418 is replaced by arginine, an amino acid with highly dissimilar properties. This amino acid position is conserved. In addition, this alteration is predicted to be tolerated by in silico analysis. Based on the available evidence, the clinical significance of this variant remains unclear.

NM_020937.4(FANCM):c.1252T>C (p.Cys418Arg)

Gene: FANCM (FA complementation group M; plus strand). Cytogenetic location: 14q21.2.
Variant type: single nucleotide variant.
Coding change: c.1252T>C on transcript NM_020937.4 (MANE Select); coding-DNA position 1252, T replaced by C.
Protein change: p.Cys418Arg; replaces cysteine 418 with arginine.
Molecular consequence: missense variant.
Genome position (GRCh38, 1-based): chr14:45,154,765, T>C. VCF-style: chr14-45154765-T-C. GRCh37 (hg19) VCF-style: chr14-45623968-T-C.
Other names: c.1174T>C, p.Cys392Arg (NM_001308133.2); c.1252T>C, p.Cys418Arg (NM_001308134.2); short protein forms C392R, C418R.
Identifiers: ClinVar variation 3848715 (VCV003848715.1).